The following is an entry in ClinVar:

NM_014625.4(NPHS2):c.872G>A (p.Arg291Gln)

Genes: AXDND1 (axonemal dynein light chain domain containing 1; plus strand), NPHS2 (NPHS2 stomatin family member, podocin; minus strand). Cytogenetic location: 1q25.2.
Variant type: single nucleotide variant.
Coding change: c.872G>A on transcript NM_014625.4 (MANE Select); coding-DNA position 872, G replaced by A.
Protein change: p.Arg291Gln; replaces arginine 291 with glutamine.
Molecular consequence: missense variant. On other transcripts: intron variant (1).
Genome position (GRCh38, 1-based): chr1:179,552,604, C>T on the plus strand (G>A on the coding strand, the complement: NPHS2 is on the minus strand). VCF-style: chr1-179552604-C-T. GRCh37 (hg19) VCF-style: chr1-179521739-C-T.
Other names: c.668G>A, p.Arg223Gln (NM_001297575.2); c.3032-1908C>T (NM_144696.6); short protein forms R291Q, R223Q.
Identifiers: ClinVar variation 555901 (VCV000555901.13), dbSNP rs751767084, ClinGen allele CA1267102.

ClinVar aggregate classification (germline): Uncertain significance. Review status: criteria provided, multiple submitters, no conflicts (2 of 4 stars). 5 submissions from 5 submitters: Uncertain significance (4). 1 of the submissions does not count toward it. Last evaluated 2026-01-19.

Conditions:
Nephrotic syndrome, type 2 (NPHS2). Also called: NEPHROTIC SYNDROME, STEROID-RESISTANT, AUTOSOMAL RECESSIVE. Identifiers: Orphanet 656, MedGen C1868672, MONDO:0010974, OMIM 600995.

Allele frequency attached by ClinVar (database versions not stated): TOPMed 0.00001; ExAC 0.00003; gnomAD 0.00003; gnomAD exomes 0.00003.
gnomAD v4.1: 118 of 1,612,590 alleles (0.0073%); highest among the groups gnomAD compares: Middle Eastern, 0.033%; no homozygotes.

Submissions (5):

Women's Health and Genetics/Laboratory Corporation of America, LabCorp
Classification: Uncertain significance. Last evaluated: 2026-01-19. Review status: criteria provided, single submitter. Criteria: LabCorp Variant Classification Summary - May 2015. Collection method: clinical testing. Allele origin: germline.
Comment: Variant summary: NPHS2 c.872G>A (p.Arg291Gln) results in a conservative amino acid change in the encoded protein sequence. Algorithms developed to predict the effect of missense changes on protein structure and function are either unavailable or do not agree on the potential impact of this missense change. The variant is located close to a splice-site. Consensus agreement among computation tools predicts no significant impact on normal splicing. However, these predictions have yet to be confirmed by functional studies. The variant allele was found at a frequency of 3.2e-05 in 250036 control chromosomes (gnomAD). The available data on variant occurrences in the general population are insufficient to allow any conclusion about variant significance. c.872G>A has been observed in heterozygous state in individual affected with Nephrotic Syndrome (e.g. Caridi_2005, Sen_2017, Caridi_2009, Prasad_2024). These report(s) do not provide unequivocal conclusions about association of the variant with Nephrotic Syndrome, Type 2. To our knowledge, no experimental evidence demonstrating an impact on protein function has been reported. However, sequence comparison with other vertebrate species indicates that in multiple species Gln (or Lys) is found at this codon, accordingly this substitution is phylogenetically not constrained (e.g. PMID 29358731). In addition, in silico molecular modeling also predicted that the p.R291Q substitution does not cause substantial change in size or interacting function, thus no significant change in the protein dimer structure is expected (Miko_2018). The following publications have been ascertained in the context of this evaluation (PMID: 15817495, 28780565, 19406966, 39135934, 30260545). ClinVar contains an entry for this variant (Variation ID: 555901). Based on the evidence outlined above, the variant was classified as uncertain significance.

Fulgent Genetics
Classification: Uncertain significance for Nephrotic syndrome, type 2. Last evaluated: 2024-01-26. Review status: criteria provided, single submitter. Criteria: ACMG Guidelines, 2015. Collection method: clinical testing. Allele origin: germline.

Genome-Nilou Lab
Classification: Uncertain significance for Nephrotic syndrome, type 2. Last evaluated: 2023-04-11. Review status: criteria provided, single submitter. Criteria: ACMG Guidelines, 2015. Collection method: clinical testing. Allele origin: germline. Affected: no.

Illumina Laboratory Services, Illumina
Classification: Uncertain significance for Nephrotic syndrome, type 2. Last evaluated: 2018-01-13. Review status: criteria provided, single submitter. Criteria: ICSL Variant Classification Criteria 13 December 2019. Collection method: clinical testing. Allele origin: germline.

Counsyl
Classification: Uncertain significance for Nephrotic syndrome, type 2. Last evaluated: 2018-01-02. Review status: no assertion criteria provided. Collection method: clinical testing. Allele origin: unknown. Not counted in ClinVar's aggregate classification.

Literature cited by the submitters: PubMed 19406966 (cited by Women's Health and Genetics/Laboratory Corporation of America, LabCorp and Counsyl); PubMed 15817495 (cited by Women's Health and Genetics/Laboratory Corporation of America, LabCorp); PubMed 28780565 (cited by Women's Health and Genetics/Laboratory Corporation of America, LabCorp); PubMed 30260545 (cited by Women's Health and Genetics/Laboratory Corporation of America, LabCorp); PubMed 39135934 (cited by Women's Health and Genetics/Laboratory Corporation of America, LabCorp); PubMed 12707396 (cited by Counsyl).